The following is an entry in ClinVar:

ClinVar aggregate classification (germline): Uncertain significance (1 of 4 stars; one submission).

Submission:

GeneDx
Classification: Uncertain significance. Last evaluated: 2020-01-13. Review status: criteria provided, single submitter. Criteria: GeneDx Variant Classification Process June 2021. Collection method: clinical testing. Allele origin: germline. Affected: yes.
Comment: Not observed in large population cohorts (Lek et al., 2016); In silico analysis, which includes protein predictors and evolutionary conservation, supports a deleterious effect; Has not been previously published as pathogenic or benign to our knowledge

NM_001375524.1(TRRAP):c.4967T>C (p.Ile1656Thr)

Genes: TRRAP (transformation/transcription domain associated protein; plus strand), LOC126860121 (MED14-independent group 3 enhancer GRCh37_chr7:98547245-98548444; plus strand). Cytogenetic location: 7q22.1.
Variant type: single nucleotide variant.
Coding change: c.4967T>C on transcript NM_001375524.1 (MANE Select); coding-DNA position 4967, T replaced by C.
Protein change: p.Ile1656Thr; replaces isoleucine 1656 with threonine.
Molecular consequence: missense variant.
Genome position (GRCh38, 1-based): chr7:98,949,673, T>C. VCF-style: chr7-98949673-T-C. GRCh37 (hg19) VCF-style: chr7-98547296-T-C.
Other names: c.4946T>C, p.Ile1649Thr (NM_001244580.2); c.4892T>C, p.Ile1631Thr (NM_003496.4); short protein forms I1631T, I1649T, I1656T.
Identifiers: ClinVar variation 1310761 (VCV001310761.2), dbSNP rs2116609570, ClinGen allele CA368313620.